The following is an entry in ClinVar:

ClinVar aggregate classification (germline): Uncertain significance (1 of 4 stars; one submission).

Conditions:
Inborn genetic diseases. Identifiers: MedGen C0950123, MeSH D030342.

Submission:

Ambry Genetics
Classification: Uncertain significance for Inborn genetic diseases. Last evaluated: 2025-03-08. Review status: criteria provided, single submitter. Criteria: Ambry Variant Classification Scheme 2023. Collection method: clinical testing. Allele origin: germline.
Comment: The p.K596R variant (also known as c.1787A>G), located in coding exon 1 of the SAMD9 gene, results from an A to G substitution at nucleotide position 1787. The lysine at codon 596 is replaced by arginine, an amino acid with highly similar properties. This amino acid position is conserved. In addition, this alteration is predicted to be tolerated by in silico analysis. Based on the available evidence, the clinical significance of this variant remains unclear.

NM_017654.4(SAMD9):c.1787A>G (p.Lys596Arg)

Gene: SAMD9 (sterile alpha motif domain containing 9; minus strand). Cytogenetic location: 7q21.2.
Variant type: single nucleotide variant.
Coding change: c.1787A>G on transcript NM_017654.4 (MANE Select); coding-DNA position 1787, A replaced by G.
Protein change: p.Lys596Arg; replaces lysine 596 with arginine.
Molecular consequence: missense variant.
Genome position (GRCh38, 1-based): chr7:93,104,311, T>C on the plus strand (A>G on the coding strand, the complement: SAMD9 is on the minus strand). VCF-style: chr7-93104311-T-C. GRCh37 (hg19) VCF-style: chr7-92733624-T-C.
Other names: c.1787A>G, p.Lys596Arg (NM_001193307.2); short protein forms K596R.
Identifiers: ClinVar variation 3792164 (VCV003792164.1).
Genomic context (GRCh38, chr7:93,104,311, plus strand): 5'-CCATTGATCTCTTCAAGGCTTAAAGCAGAAATACATTGGCTTGAAATTTCATCTTGGTGT[T>C]TTATTAATCTTGCTTCAAGTAGATCTTTCCATCCCTGAAATATGTGTGGGTGCACACAAA-3'
Protein context (NP_060124.2, residues 586-606): WKDLLEARLI[Lys596Arg]HQDEISSQCI